The following is an entry in ClinVar:

ClinVar aggregate classification (germline): Uncertain significance. Review status: criteria provided, multiple submitters, no conflicts (2 of 4 stars). 2 submissions from 2 submitters: Uncertain significance (2). Last evaluated 2024-08-28.

Conditions:
Early Myoclonic Encephalopathy. Identifiers: MedGen C0270855.

Allele frequency attached by ClinVar (database versions not stated): ExAC 0.00002; gnomAD 0.00001; gnomAD exomes 0.00002; TOPMed 0.00002; ESP Exome Variant Server 0.00008.
gnomAD v4.1: 12 of 1,613,972 alleles (0.00074%); highest among the groups gnomAD compares: East Asian, 0.0045%; no homozygotes.

Submissions (2):

Ambry Genetics
Classification: Uncertain significance. Last evaluated: 2024-08-28. Review status: criteria provided, single submitter. Criteria: Ambry Variant Classification Scheme 2023. Collection method: clinical testing. Allele origin: germline.

Labcorp Genetics (formerly Invitae), Labcorp
Classification: Uncertain significance for Early Myoclonic Encephalopathy. Last evaluated: 2022-03-19. Review status: criteria provided, single submitter. Criteria: Invitae Variant Classification Sherloc (09022015). Collection method: clinical testing. Allele origin: germline.
Comment: This sequence change replaces arginine, which is basic and polar, with cysteine, which is neutral and slightly polar, at codon 1198 of the JMJD1C protein (p.Arg1198Cys). In summary, the available evidence is currently insufficient to determine the role of this variant in disease. Therefore, it has been classified as a Variant of Uncertain Significance. Algorithms developed to predict the effect of missense changes on protein structure and function are either unavailable or do not agree on the potential impact of this missense change (SIFT: "Deleterious"; PolyPhen-2: "Probably Damaging"; Align-GVGD: "Class C0"). ClinVar contains an entry for this variant (Variation ID: 1047204). This variant has not been reported in the literature in individuals affected with JMJD1C-related conditions. This variant is present in population databases (rs369251939, gnomAD 0.007%).

NM_032776.3(JMJD1C):c.3592C>T (p.Arg1198Cys)

Gene: JMJD1C (jumonji domain containing 1C; minus strand). Cytogenetic location: 10q21.3.
Variant type: single nucleotide variant.
Coding change: c.3592C>T on transcript NM_032776.3 (MANE Select); coding-DNA position 3592, C replaced by T.
Protein change: p.Arg1198Cys; replaces arginine 1198 with cysteine.
Molecular consequence: missense variant. On other transcripts: non-coding transcript variant (1).
Genome position (GRCh38, 1-based): chr10:63,208,077, G>A on the plus strand (C>T on the coding strand, the complement: JMJD1C is on the minus strand). VCF-style: chr10-63208077-G-A. GRCh37 (hg19) VCF-style: chr10-64967837-G-A.
Other names: c.3592C>T (NM_032776.1); c.3046C>T, p.Arg1016Cys (NM_001282948.2, NM_001318154.2); c.2728C>T, p.Arg910Cys (NM_001318153.2); c.3478C>T, p.Arg1160Cys (NM_001322252.2); c.2935C>T, p.Arg979Cys (NM_001322254.2, NM_001322258.2); short protein forms R1016C, R910C, R1160C, R1198C, R979C.
Identifiers: ClinVar variation 1047204 (VCV001047204.9), dbSNP rs369251939, ClinGen allele CA5518402.